The following is an entry in ClinVar:

NM_170606.3(KMT2C):c.8626G>T (p.Asp2876Tyr)

Gene: KMT2C (lysine methyltransferase 2C; minus strand). Cytogenetic location: 7q36.1.
Variant type: single nucleotide variant.
Coding change: c.8626G>T on transcript NM_170606.3 (MANE Select); coding-DNA position 8626, G replaced by T.
Protein change: p.Asp2876Tyr; replaces aspartic acid 2876 with tyrosine.
Molecular consequence: missense variant.
Genome position (GRCh38, 1-based): chr7:152,176,827, C>A on the plus strand (G>T on the coding strand, the complement: KMT2C is on the minus strand). VCF-style: chr7-152176827-C-A. GRCh37 (hg19) VCF-style: chr7-151873912-C-A.
Other names: short protein forms D2876Y.
Identifiers: ClinVar variation 3381343 (VCV003381343.1).

ClinVar aggregate classification (germline): Uncertain significance (1 of 4 stars; one submission).

gnomAD v4.1: 1 of 1,614,194 alleles (0.000062%); highest among the groups gnomAD compares: Non-Finnish European, 0.000085%; no homozygotes.

Submission:

GeneDx
Classification: Uncertain significance. Last evaluated: 2024-05-24. Review status: criteria provided, single submitter. Criteria: GeneDx Variant Classification Process June 2021. Collection method: clinical testing. Allele origin: germline. Affected: yes.
Comment: Not observed at significant frequency in large population cohorts (gnomAD); In silico analysis supports that this missense variant has a deleterious effect on protein structure/function; Has not been previously published as pathogenic or benign to our knowledge